The following is an entry in ClinVar:

NM_015932.6(POMP):c.368A>G (p.Gln123Arg)

Gene: POMP (proteasome maturation protein; plus strand). Cytogenetic location: 13q12.3.
Variant type: single nucleotide variant.
Coding change: c.368A>G on transcript NM_015932.6 (MANE Select); coding-DNA position 368, A replaced by G.
Protein change: p.Gln123Arg; replaces glutamine 123 with arginine.
Molecular consequence: missense variant.
Genome position (GRCh38, 1-based): chr13:28,678,044, A>G. VCF-style: chr13-28678044-A-G. GRCh37 (hg19) VCF-style: chr13-29252181-A-G.
Other names: short protein forms Q123R.
Identifiers: ClinVar variation 2049532 (VCV002049532.4), dbSNP rs2541643581, ClinGen allele CA387804972.

ClinVar aggregate classification (germline): Uncertain significance (1 of 4 stars; one submission).

Allele frequency attached by ClinVar (database versions not stated): gnomAD exomes below 0.00001.
gnomAD v4.1: 2 of 1,614,030 alleles (0.00012%); highest among the groups gnomAD compares: Admixed American, 0.0017%; no homozygotes.

Submission:

Labcorp Genetics (formerly Invitae), Labcorp
Classification: Uncertain significance. Last evaluated: 2022-12-06. Review status: criteria provided, single submitter. Criteria: Invitae Variant Classification Sherloc (09022015). Collection method: clinical testing. Allele origin: germline.
Comment: This sequence change replaces glutamine, which is neutral and polar, with arginine, which is basic and polar, at codon 123 of the POMP protein (p.Gln123Arg). This variant is not present in population databases (gnomAD no frequency). This variant has not been reported in the literature in individuals affected with POMP-related conditions. Algorithms developed to predict the effect of missense changes on protein structure and function (SIFT, PolyPhen-2, Align-GVGD) all suggest that this variant is likely to be tolerated. In summary, the available evidence is currently insufficient to determine the role of this variant in disease. Therefore, it has been classified as a Variant of Uncertain Significance.